The following is an entry in ClinVar:

ClinVar aggregate classification (germline): Uncertain significance (1 of 4 stars; one submission).

Allele frequency attached by ClinVar (database versions not stated): gnomAD exomes 0.00001.
gnomAD v4.1: 7 of 1,613,844 alleles (0.00043%); highest among the groups gnomAD compares: Non-Finnish European, 0.00059%; no homozygotes.

Submission:

Labcorp Genetics (formerly Invitae), Labcorp
Classification: Uncertain significance. Last evaluated: 2024-01-02. Review status: criteria provided, single submitter. Criteria: Invitae Variant Classification Sherloc (09022015). Collection method: clinical testing. Allele origin: germline.
Comment: This sequence change replaces asparagine, which is neutral and polar, with isoleucine, which is neutral and non-polar, at codon 38 of the TOP2B protein (p.Asn38Ile). This variant is not present in population databases (gnomAD no frequency). This variant has not been reported in the literature in individuals affected with TOP2B-related conditions. An algorithm developed to predict the effect of missense changes on protein structure and function (PolyPhen-2) suggests that this variant is likely to be tolerated. In summary, the available evidence is currently insufficient to determine the role of this variant in disease. Therefore, it has been classified as a Variant of Uncertain Significance.

NM_001330700.2(TOP2B):c.128A>T (p.Asn43Ile)

Gene: TOP2B (DNA topoisomerase II beta; minus strand). Cytogenetic location: 3p24.2.
Variant type: single nucleotide variant.
Coding change: c.128A>T on transcript NM_001330700.2 (MANE Select); coding-DNA position 128, A replaced by T.
Protein change: p.Asn43Ile; replaces asparagine 43 with isoleucine.
Molecular consequence: missense variant.
Genome position (GRCh38, 1-based): chr3:25,645,412, T>A on the plus strand (A>T on the coding strand, the complement: TOP2B is on the minus strand). VCF-style: chr3-25645412-T-A. GRCh37 (hg19) VCF-style: chr3-25686903-T-A.
Other names: c.113A>T, p.Asn38Ile (NM_001068.3); short protein forms N43I, N38I.
Identifiers: ClinVar variation 2804737 (VCV002804737.3), dbSNP rs2470388097, ClinGen allele CA351914984.
Genomic context (GRCh38, chr3:25,645,412, plus strand): 5'-TGTTCAAGTTGTGTCTTCTTCTGATACACTCTCTCAACAGACAACTTCTTTGAAGAATCA[T>A]TTTTGTTGGCAGTTTCTGACTCTTCTTTTTTTGCAGCATTGTTCTGATCAAAAAGAGTCT-3'
Protein context (NP_001317629.1, residues 33-53): KKEESETANK[Asn43Ile]DSSKKLSVER